The following is an entry in ClinVar:

ClinVar aggregate classification (germline): Likely benign (1 of 4 stars; one submission).

Allele frequency attached by ClinVar (database versions not stated): gnomAD exomes below 0.00001; TOPMed below 0.00001.
gnomAD v4.1: 3 of 1,039,946 alleles (0.00029%); highest among the groups gnomAD compares: Non-Finnish European, 0.00035%; no homozygotes.

Submission:

CeGaT Center for Human Genetics Tuebingen
Classification: Likely benign. Last evaluated: 2022-06-01. Review status: criteria provided, single submitter. Criteria: CeGaT Center For Human Genetics Tuebingen Variant Classification Criteria Version 2. Collection method: clinical testing. Allele origin: germline. Affected: yes. Observed: 1 variant allele.
Comment: TBX1: PM2:Supporting, BP4, BP7

NM_001379200.1(TBX1):c.21C>T (p.Ser7=)

Gene: TBX1 (T-box transcription factor 1; plus strand). Cytogenetic location: 22q11.21.
Variant type: single nucleotide variant.
Coding change: c.21C>T on transcript NM_001379200.1 (MANE Select); coding-DNA position 21, C replaced by T.
Protein change: p.Ser7=; no amino-acid change (serine 7 retained).
Molecular consequence: synonymous variant. On other transcripts: intron variant (3).
Genome position (GRCh38, 1-based): chr22:19,760,864, C>T. VCF-style: chr22-19760864-C-T. GRCh37 (hg19) VCF-style: chr22-19748387-C-T.
Other names: c.35-41C>T (NM_005992.1, NM_080646.2, NM_080647.1).
Identifiers: ClinVar variation 1701431 (VCV001701431.31), dbSNP rs1380697846, ClinGen allele CA751457437.